The following is an entry in ClinVar:

NM_013245.3(VPS4A):c.862C>G (p.Arg288Gly)

Gene: VPS4A (vacuolar protein sorting 4 homolog A; plus strand). Cytogenetic location: 16q22.1.
Variant type: single nucleotide variant.
Coding change: c.862C>G on transcript NM_013245.3 (MANE Select); coding-DNA position 862, C replaced by G.
Protein change: p.Arg288Gly; replaces arginine 288 with glycine.
Molecular consequence: missense variant.
Genome position (GRCh38, 1-based): chr16:69,321,061, C>G. VCF-style: chr16-69321061-C-G. GRCh37 (hg19) VCF-style: chr16-69354964-C-G.
Other names: short protein forms R288G.
Identifiers: ClinVar variation 4076303 (VCV004076303.1).

ClinVar aggregate classification (germline): Uncertain significance (1 of 4 stars; one submission).

Conditions:
Cerebellar hypoplasia-intellectual disability-congenital microcephaly-dystonia-anemia-growth retardation syndrome. Also called: CIMDAG SYNDROME; CEREBELLAR HYPOPLASIA, CATARACTS, IMPAIRED INTELLECTUAL DEVELOPMENT, CONGENITAL MICROCEPHALY, DYSTONIA, DYSERYTHROPOIETIC ANEMIA, AND GROWTH RETARDATION. Identifiers: Orphanet 603448, MedGen C5543287, MONDO:0035819, OMIM 619273.

Submission:

Laboratorio de Genetica e Diagnostico Molecular, Hospital Israelita Albert Einstein
Classification: Uncertain significance for Cerebellar hypoplasia-intellectual disability-congenital microcephaly-dystonia-anemia-growth retardation syndrome. Last evaluated: 2025-03-07. Review status: criteria provided, single submitter. Criteria: ACMG Guidelines, 2015. Collection method: clinical testing. Allele origin: germline. Affected: yes.
Comment: ACMG classification criteria: PM2 supporting, PP3 supporting